The following is an entry in ClinVar:

ClinVar aggregate classification (germline): Benign. Review status: criteria provided, multiple submitters, no conflicts (2 of 4 stars). 6 submissions from 6 submitters: Benign (5). 1 of the submissions does not count toward it. Last evaluated 2026-02-02.

Conditions:
Age related macular degeneration 1 (ARMD1). Also called: MACULOPATHY, AGE-RELATED, 1. Identifiers: MedGen C1864205, MONDO:0011285, OMIM 603075.

Allele frequency attached by ClinVar (database versions not stated): gnomAD exomes 0.02053 and 0.02786; gnomAD 0.06856 and 0.06534; ExAC 0.03138; ESP Exome Variant Server 0.07181; 1000 Genomes Project 30x 0.07792; TOPMed 0.07057; 1000 Genomes Project 0.07468.
gnomAD v4.1: 40,179 of 1,613,978 alleles (2.5%); highest among the groups gnomAD compares: African/African-American, 20%; 1,748 homozygotes.

Submissions (6):

Labcorp Genetics (formerly Invitae), Labcorp
Classification: Benign. Last evaluated: 2026-02-02. Review status: criteria provided, single submitter. Criteria: Invitae Variant Classification Sherloc (09022015). Collection method: clinical testing. Allele origin: germline.

Genome-Nilou Lab
Classification: Benign for Age related macular degeneration 1. Last evaluated: 2023-04-11. Review status: criteria provided, single submitter. Criteria: ACMG Guidelines, 2015. Collection method: clinical testing. Allele origin: germline. Affected: no.

GeneDx
Classification: Benign. Last evaluated: 2021-01-15. Review status: criteria provided, single submitter. Criteria: GeneDx Variant Classification Process June 2021. Collection method: clinical testing. Allele origin: germline. Affected: yes.

Illumina Laboratory Services, Illumina
Classification: Benign for Age related macular degeneration 1. Last evaluated: 2018-01-12. Review status: criteria provided, single submitter. Criteria: ICSL Variant Classification Criteria 13 December 2019. Collection method: clinical testing. Allele origin: germline.
Comment: This variant was observed in the ICSL laboratory as part of a predisposition screen in an ostensibly healthy population. It had not been previously curated by ICSL or reported in the Human Gene Mutation Database (HGMD: prior to June 1st, 2018), and was therefore a candidate for classification through an automated scoring system. Utilizing variant allele frequency, disease prevalence and penetrance estimates, and inheritance mode, an automated score was calculated to assess if this variant is too frequent to cause the disease. Based on the score and internal cut-off values, a variant classified as benign is not then subjected to further curation. The score for this variant resulted in a classification of benign for this disease.

Breakthrough Genomics
Classification: Benign. Review status: criteria provided, single submitter. Criteria: ACMG Guidelines, 2015. Collection method: not provided. Allele origin: germline. Inheritance: Autosomal dominant inheritance. Affected: yes.

NEI Ophthalmic Genomics Laboratory, National Institutes of Health
No classification provided. Review status: no classification provided. Collection method: not provided. Allele origin: not provided. Not counted in ClinVar's aggregate classification.

NM_031935.3(HMCN1):c.14158G>A (p.Ala4720Thr)

Gene: HMCN1 (hemicentin 1; plus strand). Cytogenetic location: 1q31.1.
Variant type: single nucleotide variant.
Coding change: c.14158G>A on transcript NM_031935.3 (MANE Select); coding-DNA position 14158, G replaced by A.
Protein change: p.Ala4720Thr; replaces alanine 4720 with threonine.
Molecular consequence: missense variant.
Genome position (GRCh38, 1-based): chr1:186,144,595, G>A. VCF-style: chr1-186144595-G-A. GRCh37 (hg19) VCF-style: chr1-186113727-G-A.
Other names: short protein forms A4720T.
Identifiers: ClinVar variation 100597 (VCV000100597.16), dbSNP rs6693069, ClinGen allele CA228937.